The following is an entry in ClinVar:

ClinVar aggregate classification (germline): Uncertain significance (1 of 4 stars; one submission).

Submission:

Labcorp Genetics (formerly Invitae), Labcorp
Classification: Uncertain significance. Last evaluated: 2024-02-13. Review status: criteria provided, single submitter. Criteria: Invitae Variant Classification Sherloc (09022015). Collection method: clinical testing. Allele origin: germline.
Comment: This variant, c.1297_1299del, results in the deletion of 1 amino acid(s) of the TET2 protein (p.Glu433del), but otherwise preserves the integrity of the reading frame. This variant is present in population databases (rs770407994, gnomAD 0.1%). This variant has not been reported in the literature in individuals affected with TET2-related conditions. Experimental studies and prediction algorithms are not available or were not evaluated, and the functional significance of this variant is currently unknown. In summary, the available evidence is currently insufficient to determine the role of this variant in disease. Therefore, it has been classified as a Variant of Uncertain Significance.

NM_001127208.3(TET2):c.1294GAA[1] (p.Glu433del)

Genes: TET2-AS1 (TET2 antisense RNA 1; minus strand), TET2 (tet methylcytosine dioxygenase 2; plus strand). Cytogenetic location: 4q24.
Variant type: Microsatellite.
Coding change: c.1294GAA[1] on transcript NM_001127208.3 (MANE Select); one copy of the 3-base unit GAA starting at c.1294; the reference has two copies in a row; one copy, 3 bases deleted.
Protein change: p.Glu433del; deletes glutamic acid 433.
Molecular consequence: inframe deletion.
Genome position (GRCh38, 1-based): chr4:105,235,239-105,235,241, GAA deleted; deleting any 3 consecutive bases within chr4:105,235,235-105,235,241 gives the same sequence; the position shown is the placement nearest the transcript's 3' end. VCF-style (leftmost placement, unchanged base first): chr4-105235234-TAGA-T. GRCh37 (hg19) VCF-style: chr4-106156391-TAGA-T.
Other names: c.1294GAA[1], p.Glu433del (NM_017628.4); short protein forms E433del.
Identifiers: ClinVar variation 1958942 (VCV001958942.3), dbSNP rs770407994, ClinGen allele CA3031652.